The following is an entry in ClinVar:

ClinVar aggregate classification (germline): Uncertain significance (1 of 4 stars; one submission).

Submission:

GeneDx
Classification: Uncertain significance. Last evaluated: 2016-07-08. Review status: criteria provided, single submitter. Criteria: GeneDx Variant Classification (06012015). Collection method: clinical testing. Allele origin: germline. Affected: yes.
Comment: This variant is denoted BARD1 c.734A>G at the cDNA level, p.Gln245Arg (Q245R) at the protein level, and results in the change of a Glutamine to an Arginine (CAA>CGA). This variant has not, to our knowledge, been published in the literature as pathogenic or benign. BARD1 Gln245Arg was not observed in approximately 6,500 individuals of European and African American ancestry in the NHLBI Exome Sequencing Project, suggesting it is not a common benign variant in these populations. Since Glutamine and Arginine differ in some properties, this is considered a semi-conservative amino acid substitution. BARD1 Gln245Arg occurs at a position that is not conserved and is not located in a known functional domain (UniProt). In silico analyses are inconsistent regarding the effect this variant may have on protein structure and function. Based on currently available evidence, it is unclear whether BARD1 Gln245Arg is a pathogenic or benign variant. We consider it to be a variant of uncertain significance.

NM_000465.4(BARD1):c.734A>G (p.Gln245Arg)

Gene: BARD1 (BRCA1 associated RING domain 1; minus strand). Cytogenetic location: 2q35.
Variant type: single nucleotide variant.
Coding change: c.734A>G on transcript NM_000465.4 (MANE Select); coding-DNA position 734, A replaced by G.
Protein change: p.Gln245Arg; replaces glutamine 245 with arginine.
Molecular consequence: missense variant. On other transcripts: non-coding transcript variant (2), intron variant (3).
Genome position (GRCh38, 1-based): chr2:214,781,140, T>C on the plus strand (A>G on the coding strand, the complement: BARD1 is on the minus strand). VCF-style: chr2-214781140-T-C. GRCh37 (hg19) VCF-style: chr2-215645864-T-C.
Other names: c.677A>G, p.Gln226Arg (NM_001282543.2); c.158+28272A>G (NM_001282548.2); c.215+15921A>G (NM_001282545.2); c.364+11157A>G (NM_001282549.2); short protein forms Q245R, Q226R.
Identifiers: ClinVar variation 421655 (VCV000421655.2), dbSNP rs1064795276, ClinGen allele CA16617449.
Genomic context (GRCh38, chr2:214,781,140, plus strand): 5'-GAGCCACTTGCTAGTAAGTCTATTTCACCATTTATCTGAGGACTGGAGATAACAGATGGT[T>C]GGCTACAGAAGGATACCAGCTTTTGCTTAGATTCCTCTTTGGAGTCAAATTCACCATCTT-3'
Protein context (NP_000456.2, residues 235-255): SKQKLVSFCS[Gln245Arg]PSVISSPQIN